The following is an entry in ClinVar:

ClinVar aggregate classification (germline): Likely benign (0 of 4 stars; one submission).

Conditions:
TACO1-related disorder. Also called: TACO1-related condition.

Allele frequency attached by ClinVar (database versions not stated): gnomAD exomes below 0.00001.
gnomAD v4.1: 1 of 1,614,088 alleles (0.000062%); highest among the groups gnomAD compares: Admixed American, 0.0017%; no homozygotes.

Submission:

PreventionGenetics, part of Exact Sciences
Classification: Likely benign for TACO1-related condition. Last evaluated: 2019-06-03. Review status: no assertion criteria provided. Collection method: clinical testing. Allele origin: germline.
Comment: This variant is classified as likely benign based on ACMG/AMP sequence variant interpretation guidelines (Richards et al. 2015 PMID: 25741868, with internal and published modifications).

NM_016360.4(TACO1):c.354C>T (p.Pro118=)

Gene: TACO1 (translational activator of cytochrome c oxidase I; plus strand). Cytogenetic location: 17q23.3.
Variant type: single nucleotide variant.
Coding change: c.354C>T on transcript NM_016360.4 (MANE Select); coding-DNA position 354, C replaced by T.
Protein change: p.Pro118=; no amino-acid change (proline 118 retained).
Molecular consequence: synonymous variant.
Genome position (GRCh38, 1-based): chr17:63,604,607, C>T. VCF-style: chr17-63604607-C-T. GRCh37 (hg19) VCF-style: chr17-61681967-C-T.
Identifiers: ClinVar variation 3034268 (VCV003034268.2), dbSNP rs1258783051, ClinGen allele CA501183160.